The following is an entry in ClinVar:

ClinVar aggregate classification (germline): Conflicting classifications of pathogenicity. Review status: criteria provided, conflicting classifications (1 of 4 stars). 4 submissions from 4 submitters: Uncertain significance (1); Benign (1); Likely benign (2). Last evaluated 2026-08-01.

Conditions:
Hereditary spastic paraplegia 15 (SPG15). Also called: SPASTIC PARAPLEGIA 15, AUTOSOMAL RECESSIVE; KJELLIN SYNDROME; SPASTIC PARAPLEGIA AND RETINAL DEGENERATION. Identifiers: Orphanet 100996, MedGen C1849128, MONDO:0010044, OMIM 270700.
Spastic paraplegia. Identifiers: MedGen C0037772, HP:0001258.

Allele frequency attached by ClinVar (database versions not stated): 1000 Genomes Project 30x 0.00125; 1000 Genomes Project 0.00160; TOPMed 0.00262; gnomAD exomes 0.00291; ESP Exome Variant Server 0.00300; ExAC 0.00390; gnomAD 0.00391 and 0.00407.
gnomAD v4.1: 4,064 of 1,609,432 alleles (0.25%); highest among the groups gnomAD compares: African/African-American, 0.3%; 29 homozygotes.

Submissions (4):

CeGaT Center for Human Genetics Tuebingen
Classification: Likely benign. Last evaluated: 2026-08-01. Review status: criteria provided, single submitter. Criteria: CeGaT Center For Human Genetics Tuebingen Variant Classification Criteria Version 2. Collection method: clinical testing. Allele origin: germline. Affected: yes. Observed: 19 variant alleles.
Comment: ZFYVE26: BS2

Labcorp Genetics (formerly Invitae), Labcorp
Classification: Benign for Spastic paraplegia. Last evaluated: 2026-02-01. Review status: criteria provided, single submitter. Criteria: Invitae Variant Classification Sherloc (09022015). Collection method: clinical testing. Allele origin: germline.

Illumina Laboratory Services, Illumina
Classification: Uncertain significance for Hereditary spastic paraplegia 15. Last evaluated: 2018-01-12. Review status: criteria provided, single submitter. Criteria: ICSL Variant Classification Criteria 13 December 2019. Collection method: clinical testing. Allele origin: germline.

GeneDx
Classification: Likely benign. Last evaluated: 2017-03-30. Review status: criteria provided, single submitter. Criteria: GeneDx Variant Classification (06012015). Collection method: clinical testing. Allele origin: germline. Affected: yes.
Comment: This variant is considered likely benign or benign based on one or more of the following criteria: it is a conservative change, it occurs at a poorly conserved position in the protein, it is predicted to be benign by multiple in silico algorithms, and/or has population frequency not consistent with disease.

NM_015346.4(ZFYVE26):c.5484+13G>A

Gene: ZFYVE26 (zinc finger FYVE-type containing 26; minus strand). Cytogenetic location: 14q24.1.
Variant type: single nucleotide variant.
Coding change: c.5484+13G>A on transcript NM_015346.4 (MANE Select); 13 bases into the intron after coding-DNA position 5484, G replaced by A.
Molecular consequence: intron variant.
Genome position (GRCh38, 1-based): chr14:67,772,034, C>T on the plus strand (G>A on the coding strand, the complement: ZFYVE26 is on the minus strand). VCF-style: chr14-67772034-C-T. GRCh37 (hg19) VCF-style: chr14-68238751-C-T.
Identifiers: ClinVar variation 313887 (VCV000313887.36), dbSNP rs140117984, ClinGen allele CA7239496.